The following is an entry in ClinVar:

ClinVar aggregate classification (germline): Uncertain significance (1 of 4 stars; one submission).

Submission:

GeneDx
Classification: Uncertain significance. Last evaluated: 2023-01-30. Review status: criteria provided, single submitter. Criteria: GeneDx Variant Classification Process June 2021. Collection method: clinical testing. Allele origin: germline. Affected: yes.
Comment: Not observed at significant frequency in large population cohorts (gnomAD); In-frame deletion of 1 amino acid in a non-repeat region; In silico analysis supports a deleterious effect on protein structure/function; Has not been previously published as pathogenic or benign to our knowledge

NM_001303052.2(MYT1L):c.870GCA[1] (p.Gln292del)

Gene: MYT1L (myelin transcription factor 1 like; minus strand). Cytogenetic location: 2p25.3.
Variant type: Microsatellite.
Coding change: c.870GCA[1] on transcript NM_001303052.2 (MANE Select); one copy of the 3-base unit GCA starting at c.870; the reference has two copies in a row; one copy, 3 bases deleted.
Protein change: p.Gln292del; deletes glutamine 292.
Molecular consequence: inframe deletion.
Genome position (GRCh38, 1-based): chr2:1,922,894-1,922,896, TGC deleted on the plus strand (GCA on the coding strand, the reverse complement: MYT1L is on the minus strand); deleting any 3 consecutive bases within chr2:1,922,894-1,922,899 gives the same sequence; the position shown is the placement nearest the transcript's 3' end. VCF-style (leftmost placement, unchanged base first): chr2-1922893-TTGC-T. GRCh37 (hg19) VCF-style: chr2-1926665-TTGC-T.
Other names: c.870GCA[1], p.Gln292del (NM_001329844.2, NM_001329845.1, NM_001329846.3 and 6 more transcripts); short protein forms Q292del.
Identifiers: ClinVar variation 2574534 (VCV002574534.1), dbSNP rs2550918254, ClinGen allele CA2573332942.